The following is an entry in ClinVar:

NM_005619.5(RTN2):c.1170C>T (p.Gly390=)

Genes: OPA3-RTN2 (OPA3-RTN2 readthrough; minus strand), RTN2 (reticulon 2; minus strand). Cytogenetic location: 19q13.32.
Variant type: single nucleotide variant.
Coding change: c.1170C>T on transcript NM_005619.5 (MANE Select); coding-DNA position 1170, C replaced by T.
Protein change: p.Gly390=; no amino-acid change (glycine 390 retained).
Molecular consequence: synonymous variant.
Genome position (GRCh38, 1-based): chr19:45,489,417, G>A on the plus strand (C>T on the coding strand, the complement: RTN2 is on the minus strand). VCF-style: chr19-45489417-G-A. GRCh37 (hg19) VCF-style: chr19-45992675-G-A.
Other names: c.951C>T, p.Gly317= (NM_206900.3); c.150C>T, p.Gly50= (NM_206901.3).
Identifiers: ClinVar variation 4076392 (VCV004076392.1).

ClinVar aggregate classification (germline): Uncertain significance (1 of 4 stars; one submission).

Conditions:
Hereditary spastic paraplegia 12 (SPG12). Also called: SPASTIC PARAPLEGIA 12, AUTOSOMAL DOMINANT. Identifiers: Orphanet 100993, MedGen C1858106, MONDO:0011489, OMIM 604805.

Submission:

Laboratorio de Genetica e Diagnostico Molecular, Hospital Israelita Albert Einstein
Classification: Uncertain significance for Hereditary spastic paraplegia 12. Last evaluated: 2024-12-20. Review status: criteria provided, single submitter. Criteria: ACMG Guidelines, 2015. Collection method: clinical testing. Allele origin: germline. Affected: yes.
Comment: ACMG classification criteria: PM2 supporting, PP3 supporting